The following is an entry in ClinVar:

ClinVar aggregate classification (germline): Uncertain significance. Review status: criteria provided, multiple submitters, no conflicts (2 of 4 stars). 2 submissions from 2 submitters: Uncertain significance (2). Last evaluated 2026-03-31.

Conditions:
Congenital disorder of glycosylation, type Iaa. Also called: Congenital disorder of glycosylation, type 1aa. Identifiers: MedGen C4310727, MONDO:0014904, OMIM 617082.

Submissions (2):

GeneDx
Classification: Uncertain significance. Last evaluated: 2026-03-31. Review status: criteria provided, single submitter. Criteria: GeneDx Variant Classification Process June 2021. Collection method: clinical testing. Allele origin: germline.
Comment: Not observed at significant frequency in large population cohorts (gnomAD); In silico analysis suggests that this missense variant does not alter protein structure/function; Has not been previously published as pathogenic or benign to our knowledge

Labcorp Genetics (formerly Invitae), Labcorp
Classification: Uncertain significance for Congenital disorder of glycosylation, type Iaa. Last evaluated: 2025-07-27. Review status: criteria provided, single submitter. Criteria: Invitae Variant Classification Sherloc (09022015). Collection method: clinical testing. Allele origin: germline.
Comment: This sequence change replaces isoleucine, which is neutral and non-polar, with methionine, which is neutral and non-polar, at codon 140 of the NUS1 protein (p.Ile140Met). This variant is not present in population databases (gnomAD no frequency). This variant has not been reported in the literature in individuals affected with NUS1-related conditions. ClinVar contains an entry for this variant (Variation ID: 1390668). An algorithm developed to predict the effect of missense changes on protein structure and function (PolyPhen-2) suggests that this variant is likely to be disruptive. In summary, the available evidence is currently insufficient to determine the role of this variant in disease. Therefore, it has been classified as a Variant of Uncertain Significance.

NM_138459.5(NUS1):c.420T>G (p.Ile140Met)

Gene: NUS1 (NUS1 dehydrodolichyl diphosphate synthase subunit; plus strand). Cytogenetic location: 6q22.1.
Variant type: single nucleotide variant.
Coding change: c.420T>G on transcript NM_138459.5 (MANE Select); coding-DNA position 420, T replaced by G.
Protein change: p.Ile140Met; replaces isoleucine 140 with methionine.
Molecular consequence: missense variant.
Genome position (GRCh38, 1-based): chr6:117,693,046, T>G. VCF-style: chr6-117693046-T-G. GRCh37 (hg19) VCF-style: chr6-118014209-T-G.
Other names: c.420T>G (NM_138459.3); short protein forms I140M.
Identifiers: ClinVar variation 1390668 (VCV001390668.9), dbSNP rs1263100166, ClinGen allele CA365536606.